The following is an entry in ClinVar:

NM_006904.7(PRKDC):c.1230G>A (p.Met410Ile)

Gene: PRKDC (protein kinase, DNA-activated, catalytic subunit; minus strand). Cytogenetic location: 8q11.21.
Variant type: single nucleotide variant.
Coding change: c.1230G>A on transcript NM_006904.7 (MANE Select); coding-DNA position 1230, G replaced by A.
Protein change: p.Met410Ile; replaces methionine 410 with isoleucine.
Molecular consequence: missense variant.
Genome position (GRCh38, 1-based): chr8:47,936,401, C>T on the plus strand (G>A on the coding strand, the complement: PRKDC is on the minus strand). VCF-style: chr8-47936401-C-T. GRCh37 (hg19) VCF-style: chr8-48848961-C-T.
Other names: c.1230G>A, p.Met410Ile (NM_001081640.2); short protein forms M410I.
Identifiers: ClinVar variation 1755468 (VCV001755468.2), dbSNP rs2551879719, ClinGen allele CA371166139.

ClinVar aggregate classification (germline): Uncertain significance (1 of 4 stars; one submission).

Submission:

Ambry Genetics
Classification: Uncertain significance. Last evaluated: 2022-09-10. Review status: criteria provided, single submitter. Criteria: Ambry Variant Classification Scheme 2023. Collection method: clinical testing. Allele origin: germline.
Comment: The p.M410I variant (also known as c.1230G>A), located in coding exon 12 of the PRKDC gene, results from a G to A substitution at nucleotide position 1230. The methionine at codon 410 is replaced by isoleucine, an amino acid with highly similar properties. This amino acid position is conserved. In addition, this alteration is predicted to be tolerated by in silico analysis. Since supporting evidence is limited at this time, the clinical significance of this alteration remains unclear.